The following is an entry in ClinVar:

NM_013275.6(ANKRD11):c.5159A>G (p.His1720Arg)

Gene: ANKRD11 (ankyrin repeat domain containing 11; minus strand). Cytogenetic location: 16q24.3.
Variant type: single nucleotide variant.
Coding change: c.5159A>G on transcript NM_013275.6 (MANE Select); coding-DNA position 5159, A replaced by G.
Protein change: p.His1720Arg; replaces histidine 1720 with arginine.
Molecular consequence: missense variant.
Genome position (GRCh38, 1-based): chr16:89,281,383, T>C on the plus strand (A>G on the coding strand, the complement: ANKRD11 is on the minus strand). VCF-style: chr16-89281383-T-C. GRCh37 (hg19) VCF-style: chr16-89347791-T-C.
Other names: c.5159A>G, p.His1720Arg (NM_001256182.2, NM_001256183.2); short protein forms H1720R.
Identifiers: ClinVar variation 2580407 (VCV002580407.1), dbSNP rs2544229404, ClinGen allele CA397155381.

ClinVar aggregate classification (germline): Uncertain significance (1 of 4 stars; one submission).

Allele frequency attached by ClinVar (database versions not stated): gnomAD exomes below 0.00001.

Submission:

GeneDx
Classification: Uncertain significance. Last evaluated: 2023-03-21. Review status: criteria provided, single submitter. Criteria: GeneDx Variant Classification Process June 2021. Collection method: clinical testing. Allele origin: germline. Affected: yes.
Comment: Not observed at significant frequency in large population cohorts (gnomAD); In silico analysis supports that this missense variant has a deleterious effect on protein structure/function; Has not been previously published as pathogenic or benign to our knowledge